The following is an entry in ClinVar:

NM_015295.3(SMCHD1):c.304T>G (p.Ser102Ala)

Gene: SMCHD1 (structural maintenance of chromosomes flexible hinge domain containing 1; plus strand). Cytogenetic location: 18p11.32.
Variant type: single nucleotide variant.
Coding change: c.304T>G on transcript NM_015295.3 (MANE Select); coding-DNA position 304, T replaced by G.
Protein change: p.Ser102Ala; replaces serine 102 with alanine.
Molecular consequence: missense variant.
Genome position (GRCh38, 1-based): chr18:2,666,911, T>G. VCF-style: chr18-2666911-T-G. GRCh37 (hg19) VCF-style: chr18-2666910-T-G.
Other names: short protein forms S102A.
Identifiers: ClinVar variation 4810690 (VCV004810690.1).

ClinVar aggregate classification (germline): Uncertain significance (1 of 4 stars; one submission).

Conditions:
Facioscapulohumeral muscular dystrophy 2 (FSHD2). Also called: FACIOSCAPULOHUMERAL MUSCULAR DYSTROPHY 2, DIGENIC; FSHD2, DIGENIC; MUSCULAR DYSTROPHY, FACIOSCAPULOHUMERAL, TYPE 1B. Identifiers: Orphanet 269, MedGen C1834671, MONDO:0008031, OMIM 158901.

gnomAD v4.1: 1 of 1,613,422 alleles (0.000062%); highest among the groups gnomAD compares: Non-Finnish European, 0.000085%; no homozygotes.

Submission:

Labcorp Genetics (formerly Invitae), Labcorp
Classification: Uncertain significance for Facioscapulohumeral muscular dystrophy 2. Last evaluated: 2025-10-29. Review status: criteria provided, single submitter. Criteria: Invitae Variant Classification Sherloc (09022015). Collection method: clinical testing. Allele origin: germline.
Comment: This sequence change replaces serine, which is neutral and polar, with alanine, which is neutral and non-polar, at codon 102 of the SMCHD1 protein (p.Ser102Ala). This variant is not present in population databases (gnomAD no frequency). This variant has not been reported in the literature in individuals affected with SMCHD1-related conditions. Invitae Evidence Modeling of protein sequence and biophysical properties (such as structural, functional, and spatial information, amino acid conservation, physicochemical variation, residue mobility, and thermodynamic stability) indicates that this missense variant is not expected to disrupt SMCHD1 protein function with a negative predictive value of 80%. In summary, the available evidence is currently insufficient to determine the role of this variant in disease. Therefore, it has been classified as a Variant of Uncertain Significance.